The following is an entry in ClinVar:

NM_006424.3(SLC34A2):c.700G>A (p.Val234Met)

Gene: SLC34A2 (solute carrier family 34 member 2; plus strand). Cytogenetic location: 4p15.2.
Variant type: single nucleotide variant.
Coding change: c.700G>A on transcript NM_006424.3 (MANE Select); coding-DNA position 700, G replaced by A.
Protein change: p.Val234Met; replaces valine 234 with methionine.
Molecular consequence: missense variant.
Genome position (GRCh38, 1-based): chr4:25,669,711, G>A. VCF-style: chr4-25669711-G-A. GRCh37 (hg19) VCF-style: chr4-25671333-G-A.
Other names: c.697G>A, p.Val233Met (NM_001177998.2, NM_001177999.2); short protein forms V234M, V233M.
Identifiers: ClinVar variation 2078566 (VCV002078566.4), dbSNP rs148403466, ClinGen allele CA2879553.

ClinVar aggregate classification (germline): Uncertain significance (1 of 4 stars; one submission).

Allele frequency attached by ClinVar (database versions not stated): gnomAD 0.00011; ESP Exome Variant Server 0.00023.
gnomAD v4.1: 98 of 1,614,060 alleles (0.0061%); highest among the groups gnomAD compares: African/African-American, 0.024%; no homozygotes.

Submission:

Labcorp Genetics (formerly Invitae), Labcorp
Classification: Uncertain significance. Last evaluated: 2022-02-02. Review status: criteria provided, single submitter. Criteria: Invitae Variant Classification Sherloc (09022015). Collection method: clinical testing. Allele origin: germline.
Comment: This sequence change replaces valine, which is neutral and non-polar, with methionine, which is neutral and non-polar, at codon 234 of the SLC34A2 protein (p.Val234Met). This variant is present in population databases (rs148403466, gnomAD 0.05%). This variant has not been reported in the literature in individuals affected with SLC34A2-related conditions. Algorithms developed to predict the effect of missense changes on protein structure and function (SIFT, PolyPhen-2, Align-GVGD) all suggest that this variant is likely to be tolerated. In summary, the available evidence is currently insufficient to determine the role of this variant in disease. Therefore, it has been classified as a Variant of Uncertain Significance.